The following is an entry in ClinVar:

NM_017534.6(MYH2):c.1526T>A (p.Ile509Asn)

Genes: MYH2 (myosin heavy chain 2; minus strand), MYHAS (myosin heavy chain gene cluster antisense RNA; plus strand). Cytogenetic location: 17p13.1.
Variant type: single nucleotide variant.
Coding change: c.1526T>A on transcript NM_017534.6 (MANE Select); coding-DNA position 1526, T replaced by A.
Protein change: p.Ile509Asn; replaces isoleucine 509 with asparagine.
Molecular consequence: missense variant.
Genome position (GRCh38, 1-based): chr17:10,537,726, A>T on the plus strand (T>A on the coding strand, the complement: MYH2 is on the minus strand). VCF-style: chr17-10537726-A-T. GRCh37 (hg19) VCF-style: chr17-10441043-A-T.
Other names: c.1526T>A, p.Ile509Asn (NM_001100112.2); short protein forms I509N.
Identifiers: ClinVar variation 2126918 (VCV002126918.4), dbSNP rs1728257322, ClinGen allele CA398157396.
Genomic context (GRCh38, chr17:10,537,726, plus strand): 5'-TTCTCGATGAGCTCGATGCAGGCAGCCAGGTCCATCCCGAAGTCGATGAACGTCCACTCG[A>T]TGCCTTCCTTCTTGTACTCCTCCTGCTCCAGCACGAACATGTGGTGGTTGAAAAACTGTT-3'
Protein context (NP_060004.3, residues 499-519): LEQEEYKKEG[Ile509Asn]EWTFIDFGMD

ClinVar aggregate classification (germline): Uncertain significance (1 of 4 stars; one submission).

Conditions:
Myopathy, proximal, and ophthalmoplegia (CMYO6). Also called: CONGENITAL MYOPATHY 6 WITH OPHTHALMOPLEGIA; INCLUSION BODY MYOPATHY 3, AUTOSOMAL DOMINANT; MYOPATHY WITH CONGENITAL JOINT CONTRACTURES, OPHTHALMOPLEGIA, AND RIMMED VACUOLES. Identifiers: Orphanet 363677, Orphanet 79091, MedGen C1854106, MONDO:0011577, OMIM 605637.

Submission:

Labcorp Genetics (formerly Invitae), Labcorp
Classification: Uncertain significance for Myopathy, proximal, and ophthalmoplegia. Last evaluated: 2022-04-28. Review status: criteria provided, single submitter. Criteria: Invitae Variant Classification Sherloc (09022015). Collection method: clinical testing. Allele origin: germline.
Comment: In summary, the available evidence is currently insufficient to determine the role of this variant in disease. Therefore, it has been classified as a Variant of Uncertain Significance. Algorithms developed to predict the effect of missense changes on protein structure and function (SIFT, PolyPhen-2, Align-GVGD) all suggest that this variant is likely to be disruptive. This variant has not been reported in the literature in individuals affected with MYH2-related conditions. This variant is not present in population databases (gnomAD no frequency). This sequence change replaces isoleucine, which is neutral and non-polar, with asparagine, which is neutral and polar, at codon 509 of the MYH2 protein (p.Ile509Asn).